The following is an entry in ClinVar:

NM_001851.6(COL9A1):c.779C>A (p.Thr260Lys)

Gene: COL9A1 (collagen type IX alpha 1 chain; minus strand). Cytogenetic location: 6q13.
Variant type: single nucleotide variant.
Coding change: c.779C>A on transcript NM_001851.6 (MANE Select); coding-DNA position 779, C replaced by A.
Protein change: p.Thr260Lys; replaces threonine 260 with lysine.
Molecular consequence: missense variant.
Genome position (GRCh38, 1-based): chr6:70,283,738, G>T on the plus strand (C>A on the coding strand, the complement: COL9A1 is on the minus strand). VCF-style: chr6-70283738-G-T. GRCh37 (hg19) VCF-style: chr6-70993441-G-T.
Other names: c.779C>A, p.Thr260Lys (NM_001377291.1); short protein forms T260K.
Identifiers: ClinVar variation 1359733 (VCV001359733.8), dbSNP rs1269362157, ClinGen allele CA364667132.
Genomic context (GRCh38, chr6:70,283,738, plus strand): 5'-TGAGGTGGAGAGGGTTGAGCTGGGTAGAAGTGGCCTTTGCAGGTAGTCAGGGGACTCACC[G>T]TTATTCTGGCTGGCAGCTCATGGCAAGTTTCTCTCCTGGGCCGCAGGGGGTCACAATGGA-3'
Protein context (NP_001842.3, residues 250-270): ETCHELPARI[Thr260Lys]PSQTTDERGP

ClinVar aggregate classification (germline): Uncertain significance (1 of 4 stars; one submission).

Allele frequency attached by ClinVar (database versions not stated): gnomAD exomes below 0.00001; TOPMed below 0.00001; gnomAD 0.00001.
gnomAD v4.1: 2 of 1,609,946 alleles (0.00012%); highest among the groups gnomAD compares: Non-Finnish European, 0.00017%; no homozygotes.

Submission:

Labcorp Genetics (formerly Invitae), Labcorp
Classification: Uncertain significance. Last evaluated: 2022-07-26. Review status: criteria provided, single submitter. Criteria: Invitae Variant Classification Sherloc (09022015). Collection method: clinical testing. Allele origin: germline.
Comment: Algorithms developed to predict the effect of missense changes on protein structure and function output the following: SIFT: "Tolerated"; PolyPhen-2: "Not Available"; Align-GVGD: "Class C0". The lysine amino acid residue is found in multiple mammalian species, which suggests that this missense change does not adversely affect protein function. In summary, the available evidence is currently insufficient to determine the role of this variant in disease. Therefore, it has been classified as a Variant of Uncertain Significance. ClinVar contains an entry for this variant (Variation ID: 1359733). This variant has not been reported in the literature in individuals affected with COL9A1-related conditions. This variant is not present in population databases (gnomAD no frequency). This sequence change replaces threonine, which is neutral and polar, with lysine, which is basic and polar, at codon 260 of the COL9A1 protein (p.Thr260Lys).